The following is an entry in ClinVar:

NM_000090.4(COL3A1):c.1151G>A (p.Gly384Asp)

Gene: COL3A1 (collagen type III alpha 1 chain; plus strand). Cytogenetic location: 2q32.2.
Variant type: single nucleotide variant.
Coding change: c.1151G>A on transcript NM_000090.4 (MANE Select); coding-DNA position 1151, G replaced by A.
Protein change: p.Gly384Asp; replaces glycine 384 with aspartic acid.
Molecular consequence: missense variant.
Genome position (GRCh38, 1-based): chr2:188,994,039, G>A. VCF-style: chr2-188994039-G-A. GRCh37 (hg19) VCF-style: chr2-189858765-G-A.
Other names: short protein forms G384D.
Identifiers: ClinVar variation 2734340 (VCV002734340.4), dbSNP rs794727181, ClinGen allele CA349851117.

ClinVar aggregate classification (germline): Pathogenic/Likely pathogenic. Review status: criteria provided, multiple submitters, no conflicts (2 of 4 stars). 2 submissions from 2 submitters: Pathogenic (1); Likely pathogenic (1). Last evaluated 2025-10-21.

Conditions:
COL3A1-related disorder. Also called: COL3A1-related condition.
Ehlers-Danlos syndrome, type 4 (EDSVASC). Also called: Ehlers-Danlos Syndrome Type IV; Ehlers-Danlos syndrome vascular type; Ehlers Danlos syndrome, ecchymotic type; Ehlers Danlos syndrome, arterial type; Ehlers Danlos syndrome, Sack-Barabas type. Identifiers: Orphanet 286, MedGen C0268338, MONDO:0017314, OMIM 130050.

Submissions (2):

PreventionGenetics, part of Exact Sciences
Classification: Pathogenic for COL3A1-related condition. Last evaluated: 2025-10-21. Review status: criteria provided, single submitter. Criteria: ACMG Guidelines, 2015. Collection method: clinical testing. Allele origin: germline.
Comment: The COL3A1 c.1151G>A variant is predicted to result in the amino acid substitution p.Gly384Asp. This variant has been reported in an individual with vascular type Ehlers-Danlos syndrome (Shimaoka et al. 2010. PubMed ID: 20518783). This variant has not been reported in a large population database (gnomAD), indicating this variant is rare. This variant impacts a glycine residue within the conserved collagen triple helical domain (Gly-X-Y) where glycine substitutions are well-documented to be pathogenic (Pepin et al. 2014. PubMed ID: 24922459). This variant is interpreted as pathogenic.

Labcorp Genetics (formerly Invitae), Labcorp
Classification: Likely pathogenic for Ehlers-Danlos syndrome, type 4. Last evaluated: 2023-04-08. Review status: criteria provided, single submitter. Criteria: Invitae Variant Classification Sherloc (09022015). Collection method: clinical testing. Allele origin: germline.
Comment: Experimental studies and prediction algorithms are not available or were not evaluated, and the functional significance of this variant is currently unknown. This sequence change replaces glycine, which is neutral and non-polar, with aspartic acid, which is acidic and polar, at codon 384 of the COL3A1 protein (p.Gly384Asp). This variant is not present in population databases (gnomAD no frequency). This missense change has been observed in individual(s) with vascular Ehlers-Danlos syndrome (PMID: 20518783). This variant disrupts the triple helix domain of COL3A1. Glycine residues within the Gly-Xaa-Yaa repeats of the triple helix domain are required for the structure and stability of fibrillar collagens (PMID: 7695699, 8218237, 19344236). In COL3A1, variants that affect these glycine residues are significantly enriched in individuals with disease (PMID: 24922459, 25758994) compared to the general population (ExAC). In summary, the currently available evidence indicates that the variant is pathogenic, but additional data are needed to prove that conclusively. Therefore, this variant has been classified as Likely Pathogenic.

Literature cited by the submitters: PubMed 20518783 (cited by Labcorp Genetics (formerly Invitae), Labcorp); PubMed 7695699 (cited by Labcorp Genetics (formerly Invitae), Labcorp); PubMed 8218237 (cited by Labcorp Genetics (formerly Invitae), Labcorp); PubMed 19344236 (cited by Labcorp Genetics (formerly Invitae), Labcorp); PubMed 24922459 (cited by Labcorp Genetics (formerly Invitae), Labcorp); PubMed 25758994 (cited by Labcorp Genetics (formerly Invitae), Labcorp).